The following is an entry in ClinVar:

NM_004933.3(CDH15):c.954C>T (p.Asn318=)

Gene: CDH15 (cadherin 15; plus strand). Cytogenetic location: 16q24.3.
Variant type: single nucleotide variant.
Coding change: c.954C>T on transcript NM_004933.3 (MANE Select); coding-DNA position 954, C replaced by T.
Protein change: p.Asn318=; no amino-acid change (asparagine 318 retained).
Molecular consequence: synonymous variant.
Genome position (GRCh38, 1-based): chr16:89,188,261, C>T. VCF-style: chr16-89188261-C-T. GRCh37 (hg19) VCF-style: chr16-89254669-C-T.
Identifiers: ClinVar variation 3355858 (VCV003355858.1).
Genomic context (GRCh38, chr16:89,188,261, plus strand): 5'-CACCATCCTGGAAGGCGACCCCGATGGGCAGTTCACCATCCGCACGGACCCCAAGACCAA[C>T]GAGGGTGTTCTGTCCATTGTGAAGGTGAGCGGCCCCCGGCTGGCACACAGATGCCGGCAG-3'
Protein context (NP_004924.1, residues 308-328): QFTIRTDPKT[Asn318=]EGVLSIVKAL

ClinVar aggregate classification (germline): Likely benign (0 of 4 stars; one submission).

Conditions:
CDH15-related disorder. Also called: CDH15-related condition.

gnomAD v4.1: 12 of 1,613,468 alleles (0.00074%); highest among the groups gnomAD compares: Admixed American, 0.01%; no homozygotes.

Submission:

PreventionGenetics, part of Exact Sciences
Classification: Likely benign for CDH15-related condition. Last evaluated: 2019-10-28. Review status: no assertion criteria provided. Collection method: clinical testing. Allele origin: germline.
Comment: This variant is classified as likely benign based on ACMG/AMP sequence variant interpretation guidelines (Richards et al. 2015 PMID: 25741868, with internal and published modifications).